The following is an entry in ClinVar:

ClinVar aggregate classification (germline): Uncertain significance (1 of 4 stars; one submission).

Submission:

ISCA site 14
Classification: Uncertain significance. Last evaluated: 2011-08-12. Review status: criteria provided, single submitter. Criteria: Kaminsky et al. (Genet Med. 2011). Collection method: clinical testing. Allele origin: paternal. Affected: yes. Observed: 1 variant allele.
Comment: Copy number variation identified through the course of routine clinical cytogenomic testing in postnatal populations. Clinical assertions have been curated as described in Kaminsky et al. 2011.

GRCh38/hg38 11p11.2(chr11:45272625-45532378)x3

Genes: LINC02687 (long intergenic non-protein coding RNA 2687; plus strand), LINC02696 (long intergenic non-protein coding RNA 2696; plus strand), SYT13 (synaptotagmin 13; minus strand), LOC112081395 (Sharpr-MPRA regulatory region 11350; plus strand). Cytogenetic location: 11p11.2.
Variant type: copy number gain.
Change: copy number 3 (three copies instead of two) of chr11:45,272,625-45,532,378 (259.8 kb, GRCh38 coordinates, 1-based), cytogenetic band 11p11.2.
Identifiers: ClinVar variation 58160 (VCV000058160.1).